The following is an entry in ClinVar:

ClinVar aggregate classification (germline): Uncertain significance (1 of 4 stars; one submission).

Conditions:
Joubert syndrome 15 (JBTS15). Identifiers: Orphanet 475, MedGen C3280897, MONDO:0013763, OMIM 614464.

Allele frequency attached by ClinVar (database versions not stated): gnomAD exomes below 0.00001.
gnomAD v4.1: 1 of 1,614,144 alleles (0.000062%); highest among the groups gnomAD compares: Non-Finnish European, 0.000085%; no homozygotes.

Submission:

Labcorp Genetics (formerly Invitae), Labcorp
Classification: Uncertain significance for Joubert syndrome 15. Last evaluated: 2025-04-16. Review status: criteria provided, single submitter. Criteria: Invitae Variant Classification Sherloc (09022015). Collection method: clinical testing. Allele origin: germline.
Comment: This sequence change replaces threonine, which is neutral and polar, with isoleucine, which is neutral and non-polar, at codon 163 of the CEP41 protein (p.Thr163Ile). This variant is not present in population databases (gnomAD no frequency). This variant has not been reported in the literature in individuals affected with CEP41-related conditions. ClinVar contains an entry for this variant (Variation ID: 1418563). Invitae Evidence Modeling of protein sequence and biophysical properties (such as structural, functional, and spatial information, amino acid conservation, physicochemical variation, residue mobility, and thermodynamic stability) indicates that this missense variant is not expected to disrupt CEP41 protein function with a negative predictive value of 80%. In summary, the available evidence is currently insufficient to determine the role of this variant in disease. Therefore, it has been classified as a Variant of Uncertain Significance.

NM_018718.3(CEP41):c.488C>T (p.Thr163Ile)

Gene: CEP41 (centrosomal protein 41; minus strand). Cytogenetic location: 7q32.2.
Variant type: single nucleotide variant.
Coding change: c.488C>T on transcript NM_018718.3 (MANE Select); coding-DNA position 488, C replaced by T.
Protein change: p.Thr163Ile; replaces threonine 163 with isoleucine.
Molecular consequence: missense variant. On other transcripts: non-coding transcript variant (1).
Genome position (GRCh38, 1-based): chr7:130,402,734, G>A on the plus strand (C>T on the coding strand, the complement: CEP41 is on the minus strand). VCF-style: chr7-130402734-G-A. GRCh37 (hg19) VCF-style: chr7-130042575-G-A.
Other names: c.488C>T, p.Thr163Ile (NM_001257158.2); c.440C>T, p.Thr147Ile (NM_001257159.2); short protein forms T147I, T163I.
Identifiers: ClinVar variation 1418563 (VCV001418563.8), dbSNP rs2117565108, ClinGen allele CA369288857.